The following is an entry in ClinVar:

NM_014739.3(BCLAF1):c.1834T>G (p.Leu612Val)

Gene: BCLAF1 (BCL2 associated transcription factor 1; minus strand). Cytogenetic location: 6q23.3.
Variant type: single nucleotide variant.
Coding change: c.1834T>G on transcript NM_014739.3 (MANE Select); coding-DNA position 1834, T replaced by G.
Protein change: p.Leu612Val; replaces leucine 612 with valine.
Molecular consequence: missense variant. On other transcripts: non-coding transcript variant (7), intron variant (1).
Genome position (GRCh38, 1-based): chr6:136,275,550, A>C on the plus strand (T>G on the coding strand, the complement: BCLAF1 is on the minus strand). VCF-style: chr6-136275550-A-C. GRCh37 (hg19) VCF-style: chr6-136596688-A-C.
Other names: c.1828T>G, p.Leu610Val (NM_001077440.3, NM_001301038.3); c.1315T>G, p.Leu439Val (NM_001077441.3, NM_001386695.1, NM_001386697.1 and 2 more transcripts); c.1834T>G, p.Leu612Val (NM_001363659.3, NM_001386693.1, NM_001386694.1 and 2 more transcripts); c.1309T>G, p.Leu437Val (NM_001386696.1, NM_001386698.1, NM_001386703.1); c.1016+2315T>G (NM_001386699.1); short protein forms L439V, L612V, L437V, L610V.
Identifiers: ClinVar variation 1781023 (VCV001781023.2), dbSNP rs2483128810, ClinGen allele CA365752522.

ClinVar aggregate classification (germline): Uncertain significance (1 of 4 stars; one submission).

Submission:

Ambry Genetics
Classification: Uncertain significance. Last evaluated: 2021-12-10. Review status: criteria provided, single submitter. Criteria: Ambry Variant Classification Scheme 2023. Collection method: clinical testing. Allele origin: germline.
Comment: The p.L612V variant (also known as c.1834T>G), located in coding exon 4 of the BCLAF1 gene, results from a T to G substitution at nucleotide position 1834. The leucine at codon 612 is replaced by valine, an amino acid with highly similar properties. This amino acid position is conserved. In addition, this alteration is predicted to be tolerated by in silico analysis. Since supporting evidence is limited at this time, the clinical significance of this alteration remains unclear.